The following is an entry in ClinVar:

ClinVar aggregate classification (germline): Uncertain significance (1 of 4 stars; one submission).

Conditions:
Epilepsy. Also called: Seizure disorder. Identifiers: MedGen C0014544, MeSH D004827, MONDO:0005027.

Submission:

Labcorp Genetics (formerly Invitae), Labcorp
Classification: Uncertain significance for Epilepsy. Last evaluated: 2021-12-02. Review status: criteria provided, single submitter. Criteria: Invitae Variant Classification Sherloc (09022015). Collection method: clinical testing. Allele origin: germline.
Comment: This sequence change replaces proline, which is neutral and non-polar, with serine, which is neutral and polar, at codon 118 of the PIGQ protein (p.Pro118Ser). This variant is not present in population databases (gnomAD no frequency). This variant has not been reported in the literature in individuals affected with PIGQ-related conditions. Algorithms developed to predict the effect of missense changes on protein structure and function (SIFT, PolyPhen-2, Align-GVGD) all suggest that this variant is likely to be tolerated. In summary, the available evidence is currently insufficient to determine the role of this variant in disease. Therefore, it has been classified as a Variant of Uncertain Significance.

NM_004204.5(PIGQ):c.352C>T (p.Pro118Ser)

Gene: PIGQ (phosphatidylinositol glycan anchor biosynthesis class Q; plus strand). Cytogenetic location: 16p13.3.
Variant type: single nucleotide variant.
Coding change: c.352C>T on transcript NM_004204.5 (MANE Select); coding-DNA position 352, C replaced by T.
Protein change: p.Pro118Ser; replaces proline 118 with serine.
Molecular consequence: missense variant.
Genome position (GRCh38, 1-based): chr16:574,426, C>T. VCF-style: chr16-574426-C-T. GRCh37 (hg19) VCF-style: chr16-624426-C-T.
Other names: c.352C>T, p.Pro118Ser (NM_148920.4); short protein forms P118S.
Identifiers: ClinVar variation 1517410 (VCV001517410.5), dbSNP rs2151044408, ClinGen allele CA394047768.